The following is an entry in ClinVar:

ClinVar aggregate classification (germline): Uncertain significance (1 of 4 stars; one submission).

Conditions:
Fanconi anemia (FA). Also called: Fanconi's anemia. Identifiers: Orphanet 84, MedGen C0015625, MeSH D005199, MONDO:0019391.

Submission:

Labcorp Genetics (formerly Invitae), Labcorp
Classification: Uncertain significance for Fanconi anemia. Last evaluated: 2022-12-15. Review status: criteria provided, single submitter. Criteria: Invitae Variant Classification Sherloc (09022015). Collection method: clinical testing. Allele origin: germline.
Comment: In summary, the available evidence is currently insufficient to determine the role of this variant in disease. Therefore, it has been classified as a Variant of Uncertain Significance. Variants that disrupt the consensus splice site are a relatively common cause of aberrant splicing (PMID: 17576681, 9536098). Algorithms developed to predict the effect of sequence changes on RNA splicing suggest that this variant may disrupt the consensus splice site. This variant has not been reported in the literature in individuals affected with SLX4-related conditions. This variant is not present in population databases (gnomAD no frequency). This sequence change falls in intron 9 of the SLX4 gene. It does not directly change the encoded amino acid sequence of the SLX4 protein. It affects a nucleotide within the consensus splice site.

Literature cited by the submitters: PubMed 17576681; PubMed 9536098.

NM_032444.4(SLX4):c.2013+5G>T

Gene: SLX4 (SLX4 structure-specific endonuclease subunit; minus strand). Cytogenetic location: 16p13.3.
Variant type: single nucleotide variant.
Coding change: c.2013+5G>T on transcript NM_032444.4 (MANE Select); 5 bases into the intron after coding-DNA position 2013, G replaced by T.
Molecular consequence: intron variant.
Genome position (GRCh38, 1-based): chr16:3,595,600, C>A on the plus strand (G>T on the coding strand, the complement: SLX4 is on the minus strand). VCF-style: chr16-3595600-C-A. GRCh37 (hg19) VCF-style: chr16-3645601-C-A.
Identifiers: ClinVar variation 2792324 (VCV002792324.3), dbSNP rs1596525898, ClinGen allele CA2202849124.
Genomic context (GRCh38, chr16:3,595,600, plus strand): 5'-CCCACCACACACATGGCAAGTGGGATGGCCGGGACCAGAGAGCGCGGGCCAGAGCCAGTT[C>A]TTACCAAGGTGCGGCCGCCCCTGTCCGGGTGCTTGTCCTGCGATGGCACCACAAACCCAG-3'